The following is an entry in ClinVar:

ClinVar aggregate classification (germline): Uncertain significance. Review status: criteria provided, multiple submitters, no conflicts (2 of 4 stars). 2 submissions from 2 submitters: Uncertain significance (2). Last evaluated 2024-09-12.

gnomAD v4.1: 2 of 1,614,114 alleles (0.00012%); highest among the groups gnomAD compares: Non-Finnish European, 0.00017%; no homozygotes.

Submissions (2):

Women's Health and Genetics/Laboratory Corporation of America, LabCorp
Classification: Uncertain significance. Last evaluated: 2024-09-12. Review status: criteria provided, single submitter. Criteria: LabCorp Variant Classification Summary - May 2015. Collection method: clinical testing. Allele origin: germline.
Comment: Variant summary: WNT10A c.286T>C (p.Cys96Arg) results in a non-conservative amino acid change in the encoded protein sequence. Five of five in-silico tools predict a damaging effect of the variant on protein function. The variant allele was found at a frequency of 1.2e-06 in 1607140 control chromosomes (gnomAD v4.1 dataset).. The available data on variant occurrences in the general population are insufficient to allow any conclusion about variant significance. c.286T>C has been reported in the literature in a compound heterozygous individuals affected with tooth agenesis, who carried a pathogenic variant on the other allele (Mostowska_2013). These data do not allow any conclusion about variant significance. To our knowledge, no experimental evidence demonstrating an impact on protein function has been reported. The following publication have been ascertained in the context of this evaluation (PMID: 23167694). No submitters have cited clinical-significance assessments for this variant to ClinVar. Based on the evidence outlined above, the variant was classified as uncertain significance.

Blueprint Genetics
Classification: Uncertain significance. Last evaluated: 2021-03-02. Review status: criteria provided, single submitter. Criteria: ACMG Guidelines, 2015. Collection method: clinical testing. Allele origin: germline.

Literature cited by the submitters: PubMed 23167694 (cited by Women's Health and Genetics/Laboratory Corporation of America, LabCorp).

NM_025216.3(WNT10A):c.286T>C (p.Cys96Arg)

Gene: WNT10A (Wnt family member 10A; plus strand). Cytogenetic location: 2q35.
Variant type: single nucleotide variant.
Coding change: c.286T>C on transcript NM_025216.3 (MANE Select); coding-DNA position 286, T replaced by C.
Protein change: p.Cys96Arg; replaces cysteine 96 with arginine.
Molecular consequence: missense variant.
Genome position (GRCh38, 1-based): chr2:218,882,333, T>C. VCF-style: chr2-218882333-T-C. GRCh37 (hg19) VCF-style: chr2-219747055-T-C.
Other names: short protein forms C96R.
Identifiers: ClinVar variation 3374860 (VCV003374860.2).